The following is an entry in ClinVar:

ClinVar aggregate classification (germline): Benign. Review status: criteria provided, multiple submitters, no conflicts (2 of 4 stars). 2 submissions from 2 submitters: Benign (2). Last evaluated 2018-06-14.

Allele frequency attached by ClinVar (database versions not stated): 1000 Genomes Project 30x 0.84822; 1000 Genomes Project 0.84944; TOPMed 0.85046; gnomAD 0.85633 and 0.86130; gnomAD exomes 0.93270.
gnomAD v4.1: 1,182,972 of 1,280,724 alleles (92%); highest among the groups gnomAD compares: East Asian, 94%; 548,919 homozygotes.

Submissions (2):

GeneDx
Classification: Benign. Last evaluated: 2018-06-14. Review status: criteria provided, single submitter. Criteria: GeneDx Variant Classification (06012015). Collection method: clinical testing. Allele origin: germline. Affected: yes.
Comment: This variant is considered likely benign or benign based on one or more of the following criteria: it is a conservative change, it occurs at a poorly conserved position in the protein, it is predicted to be benign by multiple in silico algorithms, and/or has population frequency not consistent with disease.

Breakthrough Genomics
Classification: Benign. Review status: criteria provided, single submitter. Criteria: ACMG Guidelines, 2015. Collection method: not provided. Allele origin: germline. Inheritance: Autosomal recessive inheritance. Affected: yes.

NM_001854.4(COL11A1):c.2143-57C>A

Gene: COL11A1 (collagen type XI alpha 1 chain; minus strand). Cytogenetic location: 1p21.1.
Variant type: single nucleotide variant.
Coding change: c.2143-57C>A on transcript NM_001854.4 (MANE Select); 57 bases into the intron before coding-DNA position 2143, C replaced by A.
Molecular consequence: intron variant.
Genome position (GRCh38, 1-based): chr1:102,998,420, G>T on the plus strand (C>A on the coding strand, the complement: COL11A1 is on the minus strand). VCF-style: chr1-102998420-G-T. GRCh37 (hg19) VCF-style: chr1-103463976-G-T.
Other names: c.2026-57C>A (NM_001190709.2); c.2179-57C>A (NM_080629.3); c.1795-57C>A (NM_080630.4).
Identifiers: ClinVar variation 674752 (VCV000674752.2), dbSNP rs2622870, ClinGen allele CA16062690.